The following is an entry in ClinVar:

ClinVar aggregate classification (germline): Uncertain significance (1 of 4 stars; one submission).

Submission:

CeGaT Center for Human Genetics Tuebingen
Classification: Uncertain significance. Last evaluated: 2024-05-01. Review status: criteria provided, single submitter. Criteria: CeGaT Center For Human Genetics Tuebingen Variant Classification Criteria Version 2. Collection method: clinical testing. Allele origin: germline. Affected: yes. Observed: 1 variant allele.
Comment: ASH1L: PM2:Supporting, PP3

NM_018489.3(ASH1L):c.3981C>G (p.Phe1327Leu)

Gene: ASH1L (ASH1 like histone lysine methyltransferase; minus strand). Cytogenetic location: 1q22.
Variant type: single nucleotide variant.
Coding change: c.3981C>G on transcript NM_018489.3 (MANE Select); coding-DNA position 3981, C replaced by G.
Protein change: p.Phe1327Leu; replaces phenylalanine 1327 with leucine.
Molecular consequence: missense variant.
Genome position (GRCh38, 1-based): chr1:155,478,889, G>C on the plus strand (C>G on the coding strand, the complement: ASH1L is on the minus strand). VCF-style: chr1-155478889-G-C. GRCh37 (hg19) VCF-style: chr1-155448680-G-C.
Other names: c.3981C>G, p.Phe1327Leu (NM_001366177.2); short protein forms F1327L.
Identifiers: ClinVar variation 3239575 (VCV003239575.19), dbSNP rs762849940.